The following is an entry in ClinVar:

ClinVar aggregate classification (germline): Benign/Likely benign. Review status: criteria provided, multiple submitters, no conflicts (2 of 4 stars). 6 submissions from 6 submitters: Benign (5); Likely benign (1). Last evaluated 2026-01-06.

Conditions:
Monogenic diabetes. Identifiers: Orphanet 183625, MedGen C3888631, MONDO:0015967.

Allele frequency attached by ClinVar (database versions not stated): TOPMed 0.00272; 1000 Genomes Project 30x 0.00390; 1000 Genomes Project 0.00459.
gnomAD v4.1: 1,551 of 1,614,154 alleles (0.096%); highest among the groups gnomAD compares: East Asian, 3.3%; 23 homozygotes.

Submissions (6):

Labcorp Genetics (formerly Invitae), Labcorp
Classification: Benign. Last evaluated: 2026-01-06. Review status: criteria provided, single submitter. Criteria: Invitae Variant Classification Sherloc (09022015). Collection method: clinical testing. Allele origin: germline.

CeGaT Center for Human Genetics Tuebingen
Classification: Benign. Last evaluated: 2025-06-01. Review status: criteria provided, single submitter. Criteria: CeGaT Center For Human Genetics Tuebingen Variant Classification Criteria Version 2. Collection method: clinical testing. Allele origin: germline. Affected: yes. Observed: 3 variant alleles.
Comment: PAX4: BS1, BS2

ARUP Laboratories, Molecular Genetics and Genomics, ARUP Laboratories
Classification: Benign. Last evaluated: 2023-02-22. Review status: criteria provided, single submitter. Criteria: ARUP Molecular Germline Variant Investigation Process 2024. Collection method: clinical testing. Allele origin: germline.

GeneDx
Classification: Benign. Last evaluated: 2019-12-06. Review status: criteria provided, single submitter. Criteria: GeneDx Variant Classification Process June 2021. Collection method: clinical testing. Allele origin: germline. Affected: yes.
Comment: This variant is associated with the following publications: (PMID: 17426099, 29941447, 31638168, 30012629, 31216263)

Personalized Diabetes Medicine Program, University of Maryland School of Medicine
Classification: Benign for Monogenic diabetes. Last evaluated: 2017-08-18. Review status: criteria provided, single submitter. Criteria: ACMG Guidelines, 2015. Collection method: research. Allele origin: unknown. Observed: 1 variant allele, 1 heterozygote. Study: Personalized Diabetes Medicine Program.
Comment: ACMG Criteria:PP3 (11 predictors), BS1 (2.3% in 1000g east asian and 3.5% in ExAC east asian), BS2 (89 cases and 103 controls in an online resource)

Breakthrough Genomics
Classification: Likely benign. Review status: criteria provided, single submitter. Criteria: ACMG Guidelines, 2015. Collection method: not provided. Allele origin: germline. Inheritance: Autosomal dominant inheritance. Affected: yes.

NM_001366110.1(PAX4):c.598C>A (p.Arg200Ser)

Gene: PAX4 (paired box 4; minus strand). Cytogenetic location: 7q32.1.
Variant type: single nucleotide variant.
Coding change: c.598C>A on transcript NM_001366110.1 (MANE Select); coding-DNA position 598, C replaced by A.
Protein change: p.Arg200Ser; replaces arginine 200 with serine.
Molecular consequence: missense variant.
Genome position (GRCh38, 1-based): chr7:127,613,497, G>T on the plus strand (C>A on the coding strand, the complement: PAX4 is on the minus strand). VCF-style: chr7-127613497-G-T. GRCh37 (hg19) VCF-style: chr7-127253551-G-T.
Other names: NM_006193.2:c.574C>A; c.598C>A, p.Arg200Ser (NM_001366111.1); short protein forms R200S.
Identifiers: ClinVar variation 358801 (VCV000358801.38), dbSNP rs3824004, ClinGen allele CA4468020.